The following is an entry in ClinVar:

ClinVar aggregate classification (germline): Conflicting classifications of pathogenicity. Review status: criteria provided, conflicting classifications (1 of 4 stars). 7 submissions from 7 submitters: Uncertain significance (6); Benign (1). Last evaluated 2026-05-29.

Conditions:
Cardiovascular phenotype. Identifiers: MedGen CN230736.
Brittle cornea syndrome 1 (BCS1). Also called: CORNEAL FRAGILITY, KERATOGLOBUS, BLUE SCLERAE, JOINT HYPEREXTENSIBILITY; EDS6B; DYSGENESIS MESODERMALIS CORNEAE ET SCLERAE; FRAGILITAS OCULI WITH JOINT HYPEREXTENSIBILITY; Corneal fragility keratoglobus, blue sclerae AND joint hypermobility. Identifiers: Orphanet 90354, MedGen C0268344, MONDO:0024543, OMIM 229200.

Allele frequency attached by ClinVar (database versions not stated): gnomAD 0.00007 and 0.00008; gnomAD exomes 0.00008 and 0.00010; TOPMed 0.00009.
gnomAD v4.1: 124 of 1,550,262 alleles (0.008%); highest among the groups gnomAD compares: Non-Finnish European, 0.0092%; no homozygotes.

Submissions (7):

Women's Health and Genetics/Laboratory Corporation of America, LabCorp
Classification: Uncertain significance. Last evaluated: 2026-05-29. Review status: criteria provided, single submitter. Criteria: LabCorp Variant Classification Summary - May 2015. Collection method: clinical testing. Allele origin: germline.
Comment: Variant summary: ZNF469 c.7195C>T (p.Pro2399Ser) results in a non-conservative amino acid change in the encoded protein sequence. Algorithms developed to predict the effect of missense changes on protein structure and function are either unavailable or do not agree on the potential impact of this missense change. The variant allele was found at a frequency of 9.8e-05 in 153730 control chromosomes. This frequency is not significantly higher than estimated for disease-causing variants in ZNF469, allowing no conclusion about variant significance. To our knowledge, no occurrence of c.7195C>T in individuals affected with ZNF469-related conditions and no experimental evidence demonstrating its impact on protein function have been reported. ClinVar contains an entry for this variant (Variation ID: 320969). Based on the evidence outlined above, the variant was classified as uncertain significance.

Mayo Clinic Laboratories, Mayo Clinic
Classification: Uncertain significance. Last evaluated: 2025-06-30. Review status: criteria provided, single submitter. Criteria: ACMG Guidelines, 2015. Collection method: clinical testing. Allele origin: germline. Observed: 2 variant alleles.
Comment: BP4_moderate

GeneDx
Classification: Uncertain significance. Last evaluated: 2025-06-11. Review status: criteria provided, single submitter. Criteria: GeneDx Variant Classification Process June 2021. Collection method: clinical testing. Allele origin: germline. Affected: yes.
Comment: Has not been previously published as pathogenic or benign to our knowledge; In silico analysis suggests that this missense variant does not alter protein structure/function

Ambry Genetics
Classification: Benign for Cardiovascular phenotype. Last evaluated: 2024-05-17. Review status: criteria provided, single submitter. Criteria: Ambry Variant Classification Scheme 2023. Collection method: clinical testing. Allele origin: germline.

Labcorp Genetics (formerly Invitae), Labcorp
Classification: Uncertain significance. Last evaluated: 2022-07-04. Review status: criteria provided, single submitter. Criteria: Invitae Variant Classification Sherloc (09022015). Collection method: clinical testing. Allele origin: germline.
Comment: This sequence change replaces proline, which is neutral and non-polar, with serine, which is neutral and polar, at codon 2371 of the ZNF469 protein (p.Pro2371Ser). This variant is present in population databases (rs759032227, gnomAD 0.03%). This variant has not been reported in the literature in individuals affected with ZNF469-related conditions. ClinVar contains an entry for this variant (Variation ID: 320969). Algorithms developed to predict the effect of missense changes on protein structure and function output the following: SIFT: "Tolerated"; PolyPhen-2: "Benign"; Align-GVGD: "Class C0". The serine amino acid residue is found in multiple mammalian species, which suggests that this missense change does not adversely affect protein function. In summary, the available evidence is currently insufficient to determine the role of this variant in disease. Therefore, it has been classified as a Variant of Uncertain Significance.

MGZ Medical Genetics Center
Classification: Uncertain significance for Brittle cornea syndrome 1. Last evaluated: 2022-02-22. Review status: criteria provided, single submitter. Criteria: ACMG Guidelines, 2015. Collection method: clinical testing. Allele origin: germline. Affected: yes. Observed: 1 variant allele.
Comment: ACMG criteria applied: PM2_SUP, BP4

CeGaT Center for Human Genetics Tuebingen
Classification: Uncertain significance. Last evaluated: 2019-10-01. Review status: criteria provided, single submitter. Criteria: CeGaT Center For Human Genetics Tuebingen Variant Classification Criteria Version 2. Collection method: clinical testing. Allele origin: germline. Affected: yes. Observed: 1 variant allele.

NM_001367624.2(ZNF469):c.7195C>T (p.Pro2399Ser)

Gene: ZNF469 (zinc finger protein 469; plus strand). Cytogenetic location: 16q24.2.
Variant type: single nucleotide variant.
Coding change: c.7195C>T on transcript NM_001367624.2 (MANE Select); coding-DNA position 7195, C replaced by T.
Protein change: p.Pro2399Ser; replaces proline 2399 with serine.
Molecular consequence: missense variant.
Genome position (GRCh38, 1-based): chr16:88,434,665, C>T. VCF-style: chr16-88434665-C-T. GRCh37 (hg19) VCF-style: chr16-88501073-C-T.
Other names: p.Pro2399Ser; short protein forms P2399S.
Identifiers: ClinVar variation 320969 (VCV000320969.57), dbSNP rs759032227, ClinGen allele CA10648288.